The following is an entry in ClinVar:

ClinVar aggregate classification (germline): Uncertain significance (1 of 4 stars; one submission).

Conditions:
Cardiovascular phenotype. Identifiers: MedGen CN230736.

Allele frequency attached by ClinVar (database versions not stated): TOPMed 0.00003; gnomAD 0.00005.
gnomAD v4.1: 30 of 1,613,614 alleles (0.0019%); highest among the groups gnomAD compares: African/African-American, 0.012%; 1 homozygote.

Submission:

Ambry Genetics
Classification: Uncertain significance for Cardiovascular phenotype. Last evaluated: 2019-06-06. Review status: criteria provided, single submitter. Criteria: Ambry Variant Classification Scheme 2023. Collection method: clinical testing. Allele origin: germline.
Comment: The p.D20297N variant (also known as c.60889G>A), located in coding exon 157 of the TTN gene, results from a G to A substitution at nucleotide position 60889. The aspartic acid at codon 20297 is replaced by asparagine, an amino acid with highly similar properties. This amino acid position is highly conserved in available vertebrate species. In addition, this alteration is predicted to be tolerated by in silico analysis. Since supporting evidence is limited at this time, the clinical significance of this alteration remains unclear.

NM_001267550.2(TTN):c.88084G>A (p.Asp29362Asn)

Genes: TTN (titin; minus strand), TTN-AS1 (TTN antisense RNA 1; plus strand). Cytogenetic location: 2q31.2.
Variant type: single nucleotide variant.
Coding change: c.88084G>A on transcript NM_001267550.2 (MANE Select); coding-DNA position 88084, G replaced by A.
Protein change: p.Asp29362Asn; replaces aspartic acid 29362 with asparagine.
Molecular consequence: missense variant.
Genome position (GRCh38, 1-based): chr2:178,557,070, C>T on the plus strand (G>A on the coding strand, the complement: TTN is on the minus strand). VCF-style: chr2-178557070-C-T. GRCh37 (hg19) VCF-style: chr2-179421797-C-T.
Other names: c.83161G>A, p.Asp27721Asn (NM_001256850.1); c.60889G>A, p.Asp20297Asn (NM_003319.4); c.80380G>A, p.Asp26794Asn (NM_133378.4); c.61264G>A, p.Asp20422Asn (NM_133432.3); c.61465G>A, p.Asp20489Asn (NM_133437.4); short protein forms D20297N, D27721N, D20422N, D20489N, D26794N, D29362N.
Identifiers: ClinVar variation 1751483 (VCV001751483.2), dbSNP rs546300309, ClinGen allele CA60981316.